The following is an entry in ClinVar:

NM_052859.4(RFT1):c.558G>T (p.Gln186His)

Gene: RFT1 (RFT1 glycolipid translocator homolog; minus strand). Cytogenetic location: 3p21.1.
Variant type: single nucleotide variant.
Coding change: c.558G>T on transcript NM_052859.4 (MANE Select); coding-DNA position 558, G replaced by T.
Protein change: p.Gln186His; replaces glutamine 186 with histidine.
Molecular consequence: missense variant.
Genome position (GRCh38, 1-based): chr3:53,121,699, C>A on the plus strand (G>T on the coding strand, the complement: RFT1 is on the minus strand). VCF-style: chr3-53121699-C-A. GRCh37 (hg19) VCF-style: chr3-53155715-C-A.
Other names: short protein forms Q186H.
Identifiers: ClinVar variation 1971421 (VCV001971421.4), dbSNP rs1413730911, ClinGen allele CA353220956.

ClinVar aggregate classification (germline): Uncertain significance (1 of 4 stars; one submission).

Conditions:
RFT1-congenital disorder of glycosylation (CDG1N). Also called: CDG In; RFT1-CDG; Congenital disorder of glycosylation type In. Identifiers: Orphanet 244310, MedGen C2677590, MONDO:0012783, OMIM 612015.

Allele frequency attached by ClinVar (database versions not stated): gnomAD exomes below 0.00001.
gnomAD v4.1: 1 of 1,611,266 alleles (0.000062%); highest among the groups gnomAD compares: Admixed American, 0.0017%; no homozygotes.

Submission:

Labcorp Genetics (formerly Invitae), Labcorp
Classification: Uncertain significance for RFT1-congenital disorder of glycosylation. Last evaluated: 2022-09-01. Review status: criteria provided, single submitter. Criteria: Invitae Variant Classification Sherloc (09022015). Collection method: clinical testing. Allele origin: germline.
Comment: This variant is present in population databases (no rsID available, gnomAD 0.003%). In summary, the available evidence is currently insufficient to determine the role of this variant in disease. Therefore, it has been classified as a Variant of Uncertain Significance. Variants that disrupt the consensus splice site are a relatively common cause of aberrant splicing (PMID: 17576681, 9536098). Algorithms developed to predict the effect of sequence changes on RNA splicing suggest that this variant may disrupt the consensus splice site. Algorithms developed to predict the effect of missense changes on protein structure and function are either unavailable or do not agree on the potential impact of this missense change (SIFT: "Tolerated"; PolyPhen-2: "Possibly Damaging"; Align-GVGD: "Class C0"). This variant has not been reported in the literature in individuals affected with RFT1-related conditions. This sequence change replaces glutamine, which is neutral and polar, with histidine, which is basic and polar, at codon 186 of the RFT1 protein (p.Gln186His). This variant also falls at the last nucleotide of exon 5, which is part of the consensus splice site for this exon.

Literature cited by the submitters: PubMed 17576681; PubMed 9536098.